The following is an entry in ClinVar:

ClinVar aggregate classification (germline): Uncertain significance. Review status: criteria provided, multiple submitters, no conflicts (2 of 4 stars). 2 submissions from 2 submitters: Uncertain significance (2). Last evaluated 2019-08-02.

Submissions (2):

GeneDx
Classification: Uncertain significance. Last evaluated: 2019-08-02. Review status: criteria provided, single submitter. Criteria: GeneDx Variant Classification Process June 2021. Collection method: clinical testing. Allele origin: germline. Affected: yes.
Comment: Not observed in large population cohorts (Lek et al., 2016); In silico analysis, which includes protein predictors and evolutionary conservation, supports that this variant does not alter protein structure/function; Although located in a calcium-binding EGF-like domain of the FBN1 gene, it does not affect a cysteine residue within this domain; cysteine substitutions in the calcium-binding EGF-like domains represent the majority of pathogenic missense changes associated with FBN1-related disorders (Collod-Beroud et al., 2003); This variant is associated with the following publications: (PMID: 24199744)

Women's Health and Genetics/Laboratory Corporation of America, LabCorp
Classification: Uncertain significance. Last evaluated: 2019-01-07. Review status: criteria provided, single submitter. Criteria: LabCorp Variant Classification Summary - May 2015. Collection method: clinical testing. Allele origin: germline.
Comment: Variant summary: The variant, FBN1 c.7861T>G (p.Ser2621Ala) results in a conservative amino acid change located in the EGF-like and EGF-like calcium-binding domain of the encoded protein sequence. Three of five in-silico tools predict a damaging effect of the variant on protein function. The variant was absent in 246110 control chromosomes (gnomAD). The available data on variant occurrences in the general population are insufficient to allow any conclusion about variant significance. Variant c.7861T>G has been reported in the literature in individuals affected with Marfan syndrome (Pees_2013). However, this report does not provide unequivocal conclusions about association of the variant with Marfan Syndrome. To our knowledge, no experimental evidence demonstrating an impact on protein function has been reported. No clinical diagnostic laboratories have submitted clinical-significance assessments for this variant to ClinVar after 2014. Based on the evidence outlined above, the variant was classified as uncertain significance.

Literature cited by the submitters: PubMed 24199744 (cited by Women's Health and Genetics/Laboratory Corporation of America, LabCorp).

NM_000138.5(FBN1):c.7861T>G (p.Ser2621Ala)

Gene: FBN1 (fibrillin 1; minus strand). Cytogenetic location: 15q21.1.
Variant type: single nucleotide variant.
Coding change: c.7861T>G on transcript NM_000138.5 (MANE Select); coding-DNA position 7861, T replaced by G.
Protein change: p.Ser2621Ala; replaces serine 2621 with alanine.
Molecular consequence: missense variant.
Genome position (GRCh38, 1-based): chr15:48,415,726, A>C on the plus strand (T>G on the coding strand, the complement: FBN1 is on the minus strand). VCF-style: chr15-48415726-A-C. GRCh37 (hg19) VCF-style: chr15-48707923-A-C.
Other names: short protein forms S2621A.
Identifiers: ClinVar variation 928685 (VCV000928685.3), dbSNP rs2042899021, ClinGen allele CA392323382.
Genomic context (GRCh38, chr15:48,415,726, plus strand): 5'-GTTCATACTGGAAGCCGGCGGGACACATGCACTTGTAGCTCCCCAGGGTGTTGTGACAGG[A>C]GGCTCCTCCGCAGATGTGAGCGCTGAGGCATTCGTTTTCATCTGCAGGCAAAATAAGAAG-3'
Protein context (NP_000129.3, residues 2611-2631): CLSAHICGGA[Ser2621Ala]CHNTLGSYKC